The following is an entry in ClinVar:

ClinVar aggregate classification (germline): Uncertain significance (1 of 4 stars; one submission).

gnomAD v4.1: 3 of 1,614,054 alleles (0.00019%); highest among the groups gnomAD compares: East Asian, 0.0067%; no homozygotes.

Submission:

Labcorp Genetics (formerly Invitae), Labcorp
Classification: Uncertain significance. Last evaluated: 2025-05-25. Review status: criteria provided, single submitter. Criteria: Invitae Variant Classification Sherloc (09022015). Collection method: clinical testing. Allele origin: germline.
Comment: This sequence change replaces glutamine, which is neutral and polar, with proline, which is neutral and non-polar, at codon 674 of the TECTA protein (p.Gln674Pro). This variant is not present in population databases (gnomAD no frequency). This variant has not been reported in the literature in individuals affected with TECTA-related conditions. Invitae Evidence Modeling of protein sequence and biophysical properties (such as structural, functional, and spatial information, amino acid conservation, physicochemical variation, residue mobility, and thermodynamic stability) indicates that this missense variant is not expected to disrupt TECTA protein function with a negative predictive value of 95%. In summary, the available evidence is currently insufficient to determine the role of this variant in disease. Therefore, it has been classified as a Variant of Uncertain Significance.

NM_005422.4(TECTA):c.2021A>C (p.Gln674Pro)

Genes: TBCEL-TECTA (TBCEL-TECTA readthrough; plus strand), TECTA (tectorin alpha; plus strand). Cytogenetic location: 11q23.3.
Variant type: single nucleotide variant.
Coding change: c.2021A>C on transcript NM_005422.4 (MANE Select); coding-DNA position 2021, A replaced by C.
Protein change: p.Gln674Pro; replaces glutamine 674 with proline.
Molecular consequence: missense variant.
Genome position (GRCh38, 1-based): chr11:121,127,998, A>C. VCF-style: chr11-121127998-A-C. GRCh37 (hg19) VCF-style: chr11-120998707-A-C.
Other names: c.2978A>C, p.Gln993Pro (NM_001378761.1); short protein forms Q674P, Q993P.
Identifiers: ClinVar variation 4800633 (VCV004800633.1).
Genomic context (GRCh38, chr11:121,127,998, plus strand): 5'-TCGACGGCCACTACTACACCATGGGGGAGTTCTTCTGGGCCACGGCCAACTGCACTGTGC[A>C]ATGCCTGTGCGAGGAGGGCGGGGACGTCTACTGCTTCAACAAGACCTGCGGCAGCGGGGA-3'
Protein context (NP_005413.2, residues 664-684): FFWATANCTV[Gln674Pro]CLCEEGGDVY